The following is an entry in ClinVar:

NM_000152.5(GAA):c.830C>T (p.Thr277Ile)

Gene: GAA (alpha glucosidase; plus strand). Cytogenetic location: 17q25.3.
Variant type: single nucleotide variant.
Coding change: c.830C>T on transcript NM_000152.5 (MANE Select); coding-DNA position 830, C replaced by T.
Protein change: p.Thr277Ile; replaces threonine 277 with isoleucine.
Molecular consequence: missense variant.
Genome position (GRCh38, 1-based): chr17:80,107,694, C>T. VCF-style: chr17-80107694-C-T. GRCh37 (hg19) VCF-style: chr17-78081493-C-T.
Other names: c.830C>T, p.Thr277Ile (NM_001079803.3, NM_001079804.3); c.830C>T (LRG_673t1); short protein forms T277I.
Identifiers: ClinVar variation 654799 (VCV000654799.7), dbSNP rs1598575278, ClinGen allele CA401363615.

ClinVar aggregate classification (germline): Uncertain significance. Review status: criteria provided, multiple submitters, no conflicts (2 of 4 stars). 2 submissions from 2 submitters: Uncertain significance (2). Last evaluated 2024-08-06.

Conditions:
Glycogen storage disease, type II (IOPD). Also called: POMPE DISEASE, INFANTILE-ONSET; GLYCOGEN STORAGE DISEASE II, INFANTILE-ONSET; ACID ALPHA-GLUCOSIDASE DEFICIENCY, INFANTILE-ONSET; GAA DEFICIENCY, INFANTILE-ONSET; ACID MALTASE DEFICIENCY, INFANTILE-ONSET; GLYCOGENOSIS, GENERALIZED, CARDIAC FORM. Identifiers: Orphanet 365, MedGen C0017921, MONDO:0009290, OMIM 232300.

Submissions (2):

GeneDx
Classification: Uncertain significance. Last evaluated: 2024-08-06. Review status: criteria provided, single submitter. Criteria: GeneDx Variant Classification Process June 2021. Collection method: clinical testing. Allele origin: germline. Affected: yes.
Comment: Not observed at significant frequency in large population cohorts (gnomAD); In silico analysis supports that this missense variant has a deleterious effect on protein structure/function; Has not been previously published as pathogenic or benign to our knowledge; This variant is associated with the following publications: (PMID: 19343043, 22253258)

Labcorp Genetics (formerly Invitae), Labcorp
Classification: Uncertain significance for Glycogen storage disease, type II. Last evaluated: 2022-01-01. Review status: criteria provided, single submitter. Criteria: Invitae Variant Classification Sherloc (09022015). Collection method: clinical testing. Allele origin: germline.
Comment: This sequence change replaces threonine, which is neutral and polar, with isoleucine, which is neutral and non-polar, at codon 277 of the GAA protein (p.Thr277Ile). This variant is not present in population databases (gnomAD no frequency). This variant has not been reported in the literature in individuals affected with GAA-related conditions. ClinVar contains an entry for this variant (Variation ID: 654799). Advanced modeling of protein sequence and biophysical properties (such as structural, functional, and spatial information, amino acid conservation, physicochemical variation, residue mobility, and thermodynamic stability) performed at Invitae indicates that this missense variant is expected to disrupt GAA protein function. In summary, the available evidence is currently insufficient to determine the role of this variant in disease. Therefore, it has been classified as a Variant of Uncertain Significance.